The following is an entry in ClinVar:

ClinVar aggregate classification (germline): Uncertain significance (1 of 4 stars; one submission).

Conditions:
Hypertrophic cardiomyopathy. Also called: HYPERTROPHIC MYOCARDIOPATHY. Identifiers: Orphanet 217569, MedGen C0007194, MeSH D002312, MONDO:0005045, HP:0001639.

gnomAD v4.1: 12 of 1,613,536 alleles (0.00074%); highest among the groups gnomAD compares: South Asian, 0.0099%; no homozygotes.

Submission:

Labcorp Genetics (formerly Invitae), Labcorp
Classification: Uncertain significance for Hypertrophic cardiomyopathy. Last evaluated: 2024-06-24. Review status: criteria provided, single submitter. Criteria: Invitae Variant Classification Sherloc (09022015). Collection method: clinical testing. Allele origin: germline.
Comment: This sequence change replaces arginine, which is basic and polar, with cysteine, which is neutral and slightly polar, at codon 49 of the MYOM1 protein (p.Arg49Cys). This variant is present in population databases (rs765572797, gnomAD 0.02%). This variant has not been reported in the literature in individuals affected with MYOM1-related conditions. An algorithm developed to predict the effect of missense changes on protein structure and function (PolyPhen-2) suggests that this variant is likely to be tolerated. In summary, the available evidence is currently insufficient to determine the role of this variant in disease. Therefore, it has been classified as a Variant of Uncertain Significance.

NM_003803.4(MYOM1):c.145C>T (p.Arg49Cys)

Gene: MYOM1 (myomesin 1; minus strand). Cytogenetic location: 18p11.31.
Variant type: single nucleotide variant.
Coding change: c.145C>T on transcript NM_003803.4 (MANE Select); coding-DNA position 145, C replaced by T.
Protein change: p.Arg49Cys; replaces arginine 49 with cysteine.
Molecular consequence: missense variant.
Genome position (GRCh38, 1-based): chr18:3,215,079, G>A on the plus strand (C>T on the coding strand, the complement: MYOM1 is on the minus strand). VCF-style: chr18-3215079-G-A. GRCh37 (hg19) VCF-style: chr18-3215077-G-A.
Other names: c.145C>T, p.Arg49Cys (NM_019856.2); short protein forms R49C.
Identifiers: ClinVar variation 3615842 (VCV003615842.2).